The following is an entry in ClinVar:

ClinVar aggregate classification (germline): Likely pathogenic (1 of 4 stars; one submission).

Conditions:
TBX22-related disorder. Also called: TBX22-related condition.

Submission:

PreventionGenetics, part of Exact Sciences
Classification: Likely pathogenic for TBX22-related condition. Last evaluated: 2026-01-20. Review status: criteria provided, single submitter. Criteria: ACMG Guidelines, 2015. Collection method: clinical testing. Allele origin: germline.
Comment: The TBX22 c.240delC variant is predicted to result in premature protein termination (p.Tyr80*). To our knowledge, this variant has not been reported in the literature or in a large population database (gnomAD), indicating this variant is rare. Nonsense variants in TBX22 are expected to be pathogenic. This variant is interpreted as likely pathogenic.

NM_001109878.2(TBX22):c.240del (p.Gly79_Tyr80insTer)

Gene: TBX22 (T-box transcription factor 22). Cytogenetic location: Xq21.1.
Variant type: Deletion.
Coding change: c.240del on transcript NM_001109878.2 (MANE Select); coding-DNA position 240, one base deleted.
Protein change: p.Gly79_Tyr80insTer.
Molecular consequence: nonsense. On other transcripts: 5 prime UTR variant (2).
Genome position: GRCh38 VCF-style: chrX-80023123-AC-A. GRCh37 (hg19) VCF-style: chrX-79278622-AC-A.
Other names: c.240del, p.Gly79_Tyr80insTer (NM_016954.2); c.-117del (NM_001109879.2); c.-184del (NM_001303475.1).
Identifiers: ClinVar variation 4995975 (VCV004995975.1).